The following is an entry in ClinVar:

ClinVar aggregate classification (germline): Benign (1 of 4 stars; one submission).

Conditions:
Familial adenomatous polyposis 1 (FAP1). Also called: FAMILIAL ADENOMATOUS POLYPOSIS 1, ATTENUATED; POLYPOSIS, ADENOMATOUS INTESTINAL. Identifiers: MedGen C2713442, MONDO:0021056, OMIM 175100. Disease mechanism: loss of function.

Submission:

Myriad Genetics, Inc.
Classification: Benign for Familial adenomatous polyposis 1. Last evaluated: 2024-04-04. Review status: criteria provided, single submitter. Criteria: Myriad Autosomal Dominant, Autosomal Recessive and X-Linked Classification Criteria (2023). Collection method: clinical testing. Allele origin: unknown.
Comment: This variant is considered benign. This variant is a silent/synonymous amino acid change and it is not expected to impact splicing.

NM_000038.6(APC):c.6456T>G (p.Pro2152=)

Gene: APC (APC regulator of Wnt signaling pathway; plus strand). Cytogenetic location: 5q22.2.
Variant type: single nucleotide variant.
Coding change: c.6456T>G on transcript NM_000038.6 (MANE Select); coding-DNA position 6456, T replaced by G.
Protein change: p.Pro2152=; no amino-acid change (proline 2152 retained).
Molecular consequence: synonymous variant. On other transcripts: non-coding transcript variant (2).
Genome position (GRCh38, 1-based): chr5:112,842,050, T>G. VCF-style: chr5-112842050-T-G. GRCh37 (hg19) VCF-style: chr5-112177747-T-G.
Other names: c.6279T>G, p.Pro2093= (NM_001354901.2, NM_001407453.1); c.6183T>G, p.Pro2061= (NM_001354902.2); c.6153T>G, p.Pro2051= (NM_001354903.2, NM_001407458.1, NM_001407459.1 and 1 more transcripts); c.6078T>G, p.Pro2026= (NM_001354904.2); c.5976T>G, p.Pro1992= (NM_001354905.2); c.5607T>G, p.Pro1869= (NM_001354906.2, NM_001407470.1); c.6540T>G, p.Pro2180= (NM_001407446.1); c.6510T>G, p.Pro2170= (NM_001407447.1, NM_001407448.1, NM_001407449.1 and 1 more transcripts); and 11 more.
Identifiers: ClinVar variation 3254089 (VCV003254089.1), dbSNP rs2149965301.
Genomic context (GRCh38, chr5:112,842,050, plus strand): 5'-AGATTCCATCCTTTCCCTGAAATCAGGAATCTCTCTGGGATCACCATTTCATCTTACACC[T>G]GATCAAGAAGAAAAACCCTTTACAAGTAATAAAGGCCCACGAATTCTAAAACCAGGGGAG-3'
Protein context (NP_000029.2, residues 2142-2162): ISLGSPFHLT[Pro2152=]DQEEKPFTSN